The following is an entry in ClinVar:

NM_001429.4(EP300):c.3953C>T (p.Ser1318Leu)

Gene: EP300 (EP300 lysine acetyltransferase; plus strand). Cytogenetic location: 22q13.2.
Variant type: single nucleotide variant.
Coding change: c.3953C>T on transcript NM_001429.4 (MANE Select); coding-DNA position 3953, C replaced by T.
Protein change: p.Ser1318Leu; replaces serine 1318 with leucine.
Molecular consequence: missense variant.
Genome position (GRCh38, 1-based): chr22:41,168,527, C>T. VCF-style: chr22-41168527-C-T. GRCh37 (hg19) VCF-style: chr22-41564531-C-T.
Other names: c.3875C>T, p.Ser1292Leu (NM_001362843.2); short protein forms S1318L, S1292L.
Identifiers: ClinVar variation 4995625 (VCV004995625.1).

ClinVar aggregate classification (germline): Uncertain significance (1 of 4 stars; one submission).

Conditions:
EP300-related disorder. Also called: EP300-related condition; EP300-related disorders.

Submission:

PreventionGenetics, part of Exact Sciences
Classification: Uncertain significance for EP300-related condition. Last evaluated: 2026-07-22. Review status: criteria provided, single submitter. Criteria: ACMG Guidelines, 2015. Collection method: clinical testing. Allele origin: germline.
Comment: The EP300 c.3953C>T variant is predicted to result in the amino acid substitution p.Ser1318Leu. To our knowledge, this variant has not been reported in the literature or in a large population database (gnomAD), indicating this variant is rare. At this time, the clinical significance of this variant is uncertain due to the absence of conclusive functional and genetic evidence.